The following is an entry in ClinVar:

ClinVar aggregate classification (germline): Uncertain significance (1 of 4 stars; one submission).

Allele frequency attached by ClinVar (database versions not stated): gnomAD exomes below 0.00001; ExAC 0.00001; TOPMed 0.00001; gnomAD 0.00003; 1000 Genomes Project 0.00040; 1000 Genomes Project 30x 0.00047.
gnomAD v4.1: 10 of 1,613,970 alleles (0.00062%); highest among the groups gnomAD compares: Admixed American, 0.01%; no homozygotes.

Submission:

Labcorp Genetics (formerly Invitae), Labcorp
Classification: Uncertain significance. Last evaluated: 2023-11-27. Review status: criteria provided, single submitter. Criteria: Invitae Variant Classification Sherloc (09022015). Collection method: clinical testing. Allele origin: germline.
Comment: This sequence change replaces threonine, which is neutral and polar, with alanine, which is neutral and non-polar, at codon 757 of the CNNM4 protein (p.Thr757Ala). This variant is present in population databases (rs558786237, gnomAD 0.003%). This variant has not been reported in the literature in individuals affected with CNNM4-related conditions. ClinVar contains an entry for this variant (Variation ID: 1914041). Advanced modeling of protein sequence and biophysical properties (such as structural, functional, and spatial information, amino acid conservation, physicochemical variation, residue mobility, and thermodynamic stability) performed at Invitae indicates that this missense variant is not expected to disrupt CNNM4 protein function with a negative predictive value of 80%. In summary, the available evidence is currently insufficient to determine the role of this variant in disease. Therefore, it has been classified as a Variant of Uncertain Significance.

NM_020184.4(CNNM4):c.2269A>G (p.Thr757Ala)

Gene: CNNM4 (cyclin and CBS domain divalent metal cation transport mediator 4; plus strand). Cytogenetic location: 2q11.2.
Variant type: single nucleotide variant.
Coding change: c.2269A>G on transcript NM_020184.4 (MANE Select); coding-DNA position 2269, A replaced by G.
Protein change: p.Thr757Ala; replaces threonine 757 with alanine.
Molecular consequence: missense variant.
Genome position (GRCh38, 1-based): chr2:96,809,458, A>G. VCF-style: chr2-96809458-A-G. GRCh37 (hg19) VCF-style: chr2-97475195-A-G.
Other names: short protein forms T757A.
Identifiers: ClinVar variation 1914041 (VCV001914041.5), dbSNP rs558786237, ClinGen allele CA1783629.